The following is an entry in ClinVar:

NM_001127222.2(CACNA1A):c.3765G>A (p.Met1255Ile)

Gene: CACNA1A (calcium voltage-gated channel subunit alpha1 A; minus strand). Cytogenetic location: 19p13.13.
Variant type: single nucleotide variant.
Coding change: c.3765G>A on transcript NM_001127222.2 (MANE Select); coding-DNA position 3765, G replaced by A.
Protein change: p.Met1255Ile; replaces methionine 1255 with isoleucine.
Molecular consequence: missense variant.
Genome position (GRCh38, 1-based): chr19:13,283,324, C>T on the plus strand (G>A on the coding strand, the complement: CACNA1A is on the minus strand). VCF-style: chr19-13283324-C-T. GRCh37 (hg19) VCF-style: chr19-13394138-C-T.
Other names: c.3777G>A, p.Met1259Ile (NM_000068.4, NM_023035.3); c.3768G>A, p.Met1256Ile (NM_001127221.2, NM_001174080.2); c.3765G>A (NM_001127222.1); short protein forms M1255I, M1256I, M1259I.
Identifiers: ClinVar variation 1483355 (VCV001483355.2), dbSNP rs2144871559, ClinGen allele CA404340648.

ClinVar aggregate classification (germline): Uncertain significance. Review status: criteria provided, multiple submitters, no conflicts (2 of 4 stars). 2 submissions from 2 submitters: Uncertain significance (2). Last evaluated 2023-03-29.

Conditions:
CACNA1A-related disorder. Also called: CACNA1A-related condition.
Developmental and epileptic encephalopathy, 42 (DEE42A). Also called: DEVELOPMENTAL AND EPILEPTIC ENCEPHALOPATHY 42A; EPILEPTIC ENCEPHALOPATHY, EARLY INFANTILE, 42A; Epileptic encephalopathy, early infantile, 42. Identifiers: MedGen C4310716, MONDO:0014917, OMIM 617106.
Episodic ataxia type 2 (EA2). Also called: ATAXIA, EPISODIC, WITH NYSTAGMUS; ATAXIA, FAMILIAL PAROXYSMAL; CEREBELLAR ATAXIA, PAROXYSMAL, ACETAZOLAMIDE-RESPONSIVE; CEREBELLOPATHY, HEREDITARY PAROXYSMAL; EPISODIC ATAXIA, NYSTAGMUS-ASSOCIATED; ACETAZOLAMIDE-RESPONSIVE HEREDITARY PAROXYSMAL CEREBELLAR ATAXIA. Identifiers: Orphanet 97, MedGen C1720416, MONDO:0007163, OMIM 108500.

Submissions (2):

PreventionGenetics, part of Exact Sciences
Classification: Uncertain significance for CACNA1A-related condition. Last evaluated: 2023-03-29. Review status: criteria provided, single submitter. Criteria: ACMG Guidelines, 2015. Collection method: clinical testing. Allele origin: germline.
Comment: The CACNA1A c.3765G>A variant is predicted to result in the amino acid substitution p.Met1255Ile. To our knowledge, this variant has not been reported in the literature or in a large population database, indicating this variant is rare. At this time, the clinical significance of this variant is uncertain due to the absence of conclusive functional and genetic evidence.

Labcorp Genetics (formerly Invitae), Labcorp
Classification: Uncertain significance for Developmental and epileptic encephalopathy, 42; Episodic ataxia type 2. Last evaluated: 2021-09-04. Review status: criteria provided, single submitter. Criteria: Invitae Variant Classification Sherloc (09022015). Collection method: clinical testing. Allele origin: germline.
Comment: This sequence change replaces methionine with isoleucine at codon 1256 of the CACNA1A protein (p.Met1256Ile). The methionine residue is highly conserved and there is a small physicochemical difference between methionine and isoleucine. This variant is not present in population databases (ExAC no frequency). This variant has not been reported in the literature in individuals affected with CACNA1A-related conditions. Algorithms developed to predict the effect of missense changes on protein structure and function are either unavailable or do not agree on the potential impact of this missense change (SIFT: "Deleterious"; PolyPhen-2: "Probably Damaging"; Align-GVGD: "Class C0"). In summary, the available evidence is currently insufficient to determine the role of this variant in disease. Therefore, it has been classified as a Variant of Uncertain Significance.